The following is an entry in ClinVar:

NM_014305.4(TGDS):c.1034T>C (p.Leu345Ser)

Gene: TGDS (TDP-glucose 4,6-dehydratase; minus strand). Cytogenetic location: 13q32.1.
Variant type: single nucleotide variant.
Coding change: c.1034T>C on transcript NM_014305.4 (MANE Select); coding-DNA position 1034, T replaced by C.
Protein change: p.Leu345Ser; replaces leucine 345 with serine.
Molecular consequence: missense variant. On other transcripts: non-coding transcript variant (2).
Genome position (GRCh38, 1-based): chr13:94,574,801, A>G on the plus strand (T>C on the coding strand, the complement: TGDS is on the minus strand). VCF-style: chr13-94574801-A-G. GRCh37 (hg19) VCF-style: chr13-95227055-A-G.
Other names: c.938T>C, p.Leu313Ser (NM_001304430.2); short protein forms L313S, L345S.
Identifiers: ClinVar variation 1309690 (VCV001309690.3), dbSNP rs2139509772, ClinGen allele CA388392594.

ClinVar aggregate classification (germline): Uncertain significance (1 of 4 stars; one submission).

Allele frequency attached by ClinVar (database versions not stated): gnomAD exomes below 0.00001.
gnomAD v4.1: 2 of 1,607,342 alleles (0.00012%); highest among the groups gnomAD compares: Non-Finnish European, 0.00017%; no homozygotes.

Submission:

GeneDx
Classification: Uncertain significance. Last evaluated: 2023-12-04. Review status: criteria provided, single submitter. Criteria: GeneDx Variant Classification Process June 2021. Collection method: clinical testing. Allele origin: germline. Affected: yes.
Comment: Not observed at significant frequency in large population cohorts (gnomAD); In silico analysis supports that this missense variant has a deleterious effect on protein structure/function; Has not been previously published as pathogenic or benign to our knowledge